The following is an entry in ClinVar:

NM_000138.5(FBN1):c.8606T>C (p.Leu2869Ser)

Gene: FBN1 (fibrillin 1; minus strand). Cytogenetic location: 15q21.1.
Variant type: single nucleotide variant.
Coding change: c.8606T>C on transcript NM_000138.5 (MANE Select); coding-DNA position 8606, T replaced by C.
Protein change: p.Leu2869Ser; replaces leucine 2869 with serine.
Molecular consequence: missense variant.
Genome position (GRCh38, 1-based): chr15:48,411,000, A>G on the plus strand (T>C on the coding strand, the complement: FBN1 is on the minus strand). VCF-style: chr15-48411000-A-G. GRCh37 (hg19) VCF-style: chr15-48703197-A-G.
Other names: c.8606T>C (NM_000138.4); short protein forms L2869S.
Identifiers: ClinVar variation 1414872 (VCV001414872.13), dbSNP rs363848, ClinGen allele CA269518591.
Genomic context (GRCh38, chr15:48,411,000, plus strand): 5'-ACCTATCTATATTTGTTTTTCTTTTAATTATTTGGTCTCTGGATGGTGAATTAATGAAGC[A>G]AAACCTGGATTTTCATCTTCAGATTATCACCCAGTTCACCACTGAGGTAGTCTTTGTCAT-3'
Protein context (NP_000129.3, residues 2859-2871): GDNLKMKIQV[Leu2869Ser]LH

ClinVar aggregate classification (germline): Uncertain significance. Review status: criteria provided, multiple submitters, no conflicts (2 of 4 stars). 4 submissions from 4 submitters: Uncertain significance (3). 1 of the submissions does not count toward it. Last evaluated 2025-07-09.

Conditions:
Marfan syndrome (MFS). Also called: MARFAN SYNDROME, TYPE I; Marfan syndrome type 1; Marfan's syndrome; Marfan syndrome, classic; FBN1-Related Marfan Syndrome. Identifiers: Orphanet 284963, Orphanet 558, MedGen C0024796, MONDO:0007947, OMIM 154700.
Familial thoracic aortic aneurysm and aortic dissection (TAAD). Also called: Thoracic aortic aneurysms and dissections. Identifiers: Orphanet 91387, MedGen C4707243, MONDO:0019625.
FBN1-related disorder. Also called: FBN1-related disorders.

Allele frequency attached by ClinVar (database versions not stated): TOPMed below 0.00001; gnomAD 0.00001.

Submissions (4):

Labcorp Genetics (formerly Invitae), Labcorp
Classification: Uncertain significance for Marfan syndrome; Familial thoracic aortic aneurysm and aortic dissection. Last evaluated: 2025-07-09. Review status: criteria provided, single submitter. Criteria: Invitae Variant Classification Sherloc (09022015). Collection method: clinical testing. Allele origin: germline.
Comment: This sequence change replaces leucine, which is neutral and non-polar, with serine, which is neutral and polar, at codon 2869 of the FBN1 protein (p.Leu2869Ser). This variant is not present in population databases (gnomAD no frequency). This variant has not been reported in the literature in individuals affected with FBN1-related conditions. ClinVar contains an entry for this variant (Variation ID: 1414872). Invitae Evidence Modeling of protein sequence and biophysical properties (such as structural, functional, and spatial information, amino acid conservation, physicochemical variation, residue mobility, and thermodynamic stability) indicates that this missense variant is not expected to disrupt FBN1 protein function with a negative predictive value of 95%. In summary, the available evidence is currently insufficient to determine the role of this variant in disease. Therefore, it has been classified as a Variant of Uncertain Significance.

All of Us Research Program, National Institutes of Health
Classification: Uncertain significance for Marfan syndrome. Last evaluated: 2024-04-16. Review status: criteria provided, single submitter. Criteria: ACMG Guidelines, 2015. Collection method: clinical testing. Allele origin: germline. Inheritance: Autosomal dominant inheritance. Observed: 1 variant allele, 1 heterozygote.
Comment: This missense variant replaces leucine with serine at codon 2869 of the FBN1 protein. Computational prediction suggests that this variant may not impact protein structure and function (internally defined REVEL score threshold <= 0.5, PMID: 27666373). To our knowledge, functional studies have not been reported for this variant. This variant has not been reported in individuals affected with cardiovascular disorders in the literature. This variant has not been identified in the general population by the Genome Aggregation Database (gnomAD). The available evidence is insufficient to determine the role of this variant in disease conclusively. Therefore, this variant is classified as a Variant of Uncertain Significance.

This study involves interpretation of variants in research participants for the purpose of population health screening. Participant phenotype was not available at the time of variant classification. Additional details can be found in publication PMID: 35346344, PMCID: PMC8962531

Color Diagnostics, LLC DBA Color Health
Classification: Uncertain significance for Familial thoracic aortic aneurysm and aortic dissection. Last evaluated: 2024-04-04. Review status: criteria provided, single submitter. Criteria: ACMG Guidelines, 2015. Collection method: clinical testing. Allele origin: germline.
Comment: This missense variant replaces leucine with serine at codon 2869 of the FBN1 protein. Computational prediction tools indicate that this variant has a neutral impact on protein structure and function. To our knowledge, functional studies have not been reported for this variant. This variant has not been reported in individuals affected with FBN1-related disorders in the literature. This variant has not been identified in the general population by the Genome Aggregation Database (gnomAD). The available evidence is insufficient to determine the role of this variant in disease conclusively. Therefore, this variant is classified as a Variant of Uncertain Significance.

PreventionGenetics, part of Exact Sciences
Classification: Uncertain significance for FBN1-related condition. Last evaluated: 2024-02-28. Review status: no assertion criteria provided. Collection method: clinical testing. Allele origin: germline. Not counted in ClinVar's aggregate classification.
Comment: The FBN1 c.8606T>C variant is predicted to result in the amino acid substitution p.Leu2869Ser. To our knowledge, this variant has not been reported in the literature or in a large population database, indicating this variant is rare. At this time, the clinical significance of this variant is uncertain due to the absence of conclusive functional and genetic evidence.